The following is an entry in ClinVar:

NM_012186.3(FOXE3):c.472G>T (p.Gly158Cys)

Genes: FOXE3 (forkhead box E3; plus strand), LINC01389 (long independently transcribed non-coding RNA 1389; minus strand). Cytogenetic location: 1p33.
Variant type: single nucleotide variant.
Coding change: c.472G>T on transcript NM_012186.3 (MANE Select); coding-DNA position 472, G replaced by T.
Protein change: p.Gly158Cys; replaces glycine 158 with cysteine.
Molecular consequence: missense variant.
Genome position (GRCh38, 1-based): chr1:47,416,787, G>T. VCF-style: chr1-47416787-G-T. GRCh37 (hg19) VCF-style: chr1-47882459-G-T.
Other names: short protein forms G158C.
Identifiers: ClinVar variation 4794460 (VCV004794460.1).

ClinVar aggregate classification (germline): Uncertain significance (1 of 4 stars; one submission).

Conditions:
Anterior segment dysgenesis. Also called: Ocular anterior segment dysgenesis. Identifiers: Orphanet 88632, MedGen C1862839, MONDO:0019503, HP:0007700.
Congenital primary aphakia. Also called: Anterior segment dysgenesis 2, multiple subtypes; ANTERIOR SEGMENT DYSGENESIS 2. Identifiers: Orphanet 83461, MedGen C1853230, MONDO:0012456, OMIM 610256.

Submission:

Labcorp Genetics (formerly Invitae), Labcorp
Classification: Uncertain significance for Anterior segment dysgenesis; Congenital primary aphakia. Last evaluated: 2025-07-21. Review status: criteria provided, single submitter. Criteria: Invitae Variant Classification Sherloc (09022015). Collection method: clinical testing. Allele origin: germline.
Comment: This sequence change replaces glycine, which is neutral and non-polar, with cysteine, which is neutral and slightly polar, at codon 158 of the FOXE3 protein (p.Gly158Cys). This variant is not present in population databases (gnomAD no frequency). This variant has not been reported in the literature in individuals affected with FOXE3-related conditions. Invitae Evidence Modeling of protein sequence and biophysical properties (such as structural, functional, and spatial information, amino acid conservation, physicochemical variation, residue mobility, and thermodynamic stability) indicates that this missense variant is expected to disrupt FOXE3 protein function with a positive predictive value of 95%. In summary, the available evidence is currently insufficient to determine the role of this variant in disease. Therefore, it has been classified as a Variant of Uncertain Significance.